The following is an entry in ClinVar:

ClinVar aggregate classification (germline): Uncertain significance (1 of 4 stars; one submission).

Conditions:
Duchenne muscular dystrophy (DMD). Also called: Duchenne Muscular Dystrophy (DMD); MUSCULAR DYSTROPHY, PSEUDOHYPERTROPHIC PROGRESSIVE, DUCHENNE TYPE. Identifiers: Orphanet 98896, MedGen C0013264, MONDO:0010679, OMIM 310200.

Submission:

3billion
Classification: Uncertain significance for Duchenne muscular dystrophy. Last evaluated: 2023-02-23. Review status: criteria provided, single submitter. Criteria: ACMG Guidelines, 2015. Collection method: clinical testing. Allele origin: unknown. Affected: yes.
Comment: The variant is not observed in the gnomAD v2.1.1 dataset. In silico tool predictions suggest damaging effect of the variant on gene or gene product (REVEL: 0.95). Same nucleotide change resulting in same amino acid change has been previously reported to be associated with DMD related disorder (PMID: 26968818). However, the evidence of pathogenicity is insufficient at this time. Therefore, this variant is classified as VUS according to the recommendation of ACMG/AMP guideline.

Literature cited by the submitters: PubMed 26968818.

NM_004006.3(DMD):c.70T>C (p.Trp24Arg)

Gene: DMD (dystrophin; minus strand). Cytogenetic location: Xp21.1.
Variant type: single nucleotide variant.
Coding change: c.70T>C on transcript NM_004006.3 (MANE Select); coding-DNA position 70, T replaced by C.
Protein change: p.Trp24Arg; replaces tryptophan 24 with arginine.
Molecular consequence: missense variant. On other transcripts: 5 prime UTR variant (1).
Genome position (GRCh38, 1-based): chrX:33,020,162, A>G on the plus strand (T>C on the coding strand, the complement: DMD is on the minus strand). VCF-style: chrX-33020162-A-G. GRCh37 (hg19) VCF-style: chrX-33038279-A-G.
Other names: c.46T>C, p.Trp16Arg (NM_000109.4); c.58T>C, p.Trp20Arg (NM_004009.3); c.-300T>C (NM_004010.3); short protein forms W16R, W20R, W24R.
Identifiers: ClinVar variation 2444320 (VCV002444320.1), dbSNP rs2527804930, ClinGen allele CA412675262.